The following is an entry in ClinVar:

ClinVar aggregate classification (germline): Pathogenic. Review status: criteria provided, multiple submitters, no conflicts (2 of 4 stars). 5 submissions from 5 submitters: Pathogenic (5). Last evaluated 2022-10-07.

Conditions:
Cardiac arrhythmia. Also called: Cardiac rhythm disease; Arrhythmia. Identifiers: MedGen C0003811, MONDO:0007263, HP:0011675.
Long QT syndrome 1 (LQT1). Identifiers: Orphanet 101016, Orphanet 768, MedGen C4551647, MONDO:0100316, OMIM 192500, MONDO:0008646.
Long QT syndrome (LQTS). Identifiers: MedGen C0023976, MeSH D008133, MONDO:0002442. Disease mechanism: loss of function. Inheritance: Various modes of inheritance.
Hearing impairment. Also called: Impaired Hearing. Identifiers: MedGen C1384666, MONDO:0005365, HP:0000365.

Submissions (5):

Labcorp Genetics (formerly Invitae), Labcorp
Classification: Pathogenic for Long QT syndrome. Last evaluated: 2022-10-07. Review status: criteria provided, single submitter. Criteria: Invitae Variant Classification Sherloc (09022015). Collection method: clinical testing. Allele origin: germline.
Comment: For these reasons, this variant has been classified as Pathogenic. ClinVar contains an entry for this variant (Variation ID: 207969). This premature translational stop signal has been observed in individual(s) with Jervell and Lange-Nielsen syndrome (PMID: 27041150, 27485560). This variant is not present in population databases (gnomAD no frequency). This sequence change creates a premature translational stop signal (p.Tyr148Leufs*89) in the KCNQ1 gene. It is expected to result in an absent or disrupted protein product. Loss-of-function variants in KCNQ1 are known to be pathogenic (PMID: 9323054, 19862833).

Color Diagnostics, LLC DBA Color Health
Classification: Pathogenic for Cardiac arrhythmia. Last evaluated: 2021-12-14. Review status: criteria provided, single submitter. Criteria: ACMG Guidelines, 2015. Collection method: clinical testing. Allele origin: germline.
Comment: This variant deletes 1 nucleotide in exon 2 of the KCNQ1 gene, creating a frameshift and premature translation stop signal. This variant is expected to result in an absent or non-functional protein product. This variant has been reported in an individual affected with Jervell and Lange-Nielsen syndrome (JLNS) (PMID: 27041150). This variant has not been identified in the general population by the Genome Aggregation Database (gnomAD). Loss of KCNQ1 function is a known mechanism of disease. Based on the available evidence, this variant is classified as Pathogenic.

Cambridge Genomics Laboratory, East Genomic Laboratory Hub, NHS Genomic Medicine Service
Classification: Pathogenic for Hearing impairment. Last evaluated: 2019-04-17. Review status: criteria provided, single submitter. Criteria: ACGS Best Practice Guidelines for Variant Classification in Rare Disease 2020. Collection method: clinical testing. Allele origin: germline. Affected: yes. Observed: 1 variant allele.

Institute of Medical Genetics and Genomics, Sir Ganga Ram Hospital
Classification: Pathogenic for Long QT syndrome, LQT1 subtype. Last evaluated: 2013-01-01. Review status: criteria provided, single submitter. Criteria: Vyas et al. (Am J Med Genet A. 2016). Collection method: research. Allele origin: germline. Affected: yes. Observed: 1 variant allele. Study: Life Threatening Long QT Syndromes.

Neuberg Centre For Genomic Medicine, NCGM
Classification: Pathogenic for Long QT syndrome 1. Review status: criteria provided, single submitter. Criteria: ACMG Guidelines, 2015. Collection method: clinical testing. Allele origin: germline. Inheritance: Autosomal dominant inheritance. Affected: yes.
Comment: The frameshift variant c.443del (p.Tyr148LeufsTer89) in the KCNQ1 gene has been reported previously in heterozygous/ compound heterozygous states in individual(s) affected with KCNQ1-related disorders (Vyas et al., 2016; Vyas et al., 2016). This variant is absent in the gnomAD Exomes. This variant has been submitted to the ClinVar database as Pathogenic. This variant causes a frameshift starting with codon Tyrosine 148, changes this amino acid to Leucine residue, and creates a premature Stop codon at position 89 of the new reading frame, denoted p.Tyr148LeufsTer89. This variant is predicted to cause loss of normal protein function through protein truncation. Loss of function variants in KCNQ1 gene have been previously reported to be pathogenic (Shalaby et al., 1997). For these reasons, this variant has been classified as Pathogenic.

Literature cited by the submitters: PubMed 27041150 (cited by Labcorp Genetics (formerly Invitae), Labcorp and Color Diagnostics, LLC DBA Color Health); PubMed 27485560 (cited by Labcorp Genetics (formerly Invitae), Labcorp); PubMed 9323054 (cited by Labcorp Genetics (formerly Invitae), Labcorp); PubMed 19862833 (cited by Labcorp Genetics (formerly Invitae), Labcorp).

NM_000218.3(KCNQ1):c.443del (p.Tyr148fs)

Gene: KCNQ1 (potassium voltage-gated channel subfamily Q member 1; plus strand). Cytogenetic location: 11p15.5.
Variant type: Deletion.
Coding change: c.443del on transcript NM_000218.3 (MANE Select); coding-DNA position 443, one base deleted (A; older notation c.443delA).
Protein change: p.Tyr148fs; shifts the reading frame from tyrosine 148.
Molecular consequence: frameshift variant.
Genome position (GRCh38, 1-based): chr11:2,527,984, A deleted. VCF-style (leftmost placement, unchanged base first): chr11-2527983-TA-T. GRCh37 (hg19) VCF-style: chr11-2549213-TA-T.
Other names: Y148Lfs*89; c.443delA, p.Tyr148Leufs (NM_000218.2, NM_001406836.1, NM_001406838.1); c.173delA, p.Tyr58Leufs (NM_001406837.1); c.62delA, p.Tyr21Leufs (NM_181798.2); short protein forms Y148fs, Y21fs.
Identifiers: ClinVar variation 207969 (VCV000207969.16), dbSNP rs878854347, ClinGen allele CA10575750.
Genomic context (GRCh38, chr11:2,527,983, plus strand): 5'-TGCAGCTTCCTCATCGTCCTGGTCTGCCTCATCTTCAGCGTGCTGTCCACCATCGAGCAG[TA>T]TGCCGCCCTGGCCACGGGGACTCTCTTCTGGATGGTACGTAGCATCTGAGGGCATGGCTG-3'